The following is an entry in ClinVar:

NM_000138.5(FBN1):c.4932A>G (p.Arg1644=)

Gene: FBN1 (fibrillin 1; minus strand). Cytogenetic location: 15q21.1.
Variant type: single nucleotide variant.
Coding change: c.4932A>G on transcript NM_000138.5 (MANE Select); coding-DNA position 4932, A replaced by G.
Protein change: p.Arg1644=; no amino-acid change (arginine 1644 retained).
Molecular consequence: synonymous variant.
Genome position (GRCh38, 1-based): chr15:48,465,578, T>C on the plus strand (A>G on the coding strand, the complement: FBN1 is on the minus strand). VCF-style: chr15-48465578-T-C. GRCh37 (hg19) VCF-style: chr15-48757775-T-C.
Identifiers: ClinVar variation 1019399 (VCV001019399.8), dbSNP rs2043313777, ClinGen allele CA490026428.

ClinVar aggregate classification (germline): Uncertain significance (1 of 4 stars; one submission).

Conditions:
Marfan syndrome (MFS). Also called: FBN1-Related Marfan Syndrome; MARFAN SYNDROME, TYPE I; Marfan syndrome type 1; Marfan's syndrome; Marfan syndrome, classic. Identifiers: Orphanet 284963, Orphanet 558, MedGen C0024796, MONDO:0007947, OMIM 154700.
Familial thoracic aortic aneurysm and aortic dissection (TAAD). Also called: Thoracic aortic aneurysms and dissections. Identifiers: Orphanet 91387, MedGen C4707243, MONDO:0019625.

Submission:

Labcorp Genetics (formerly Invitae), Labcorp
Classification: Uncertain significance for Marfan syndrome; Familial thoracic aortic aneurysm and aortic dissection. Last evaluated: 2020-07-03. Review status: criteria provided, single submitter. Criteria: Invitae Variant Classification Sherloc (09022015). Collection method: clinical testing. Allele origin: germline.
Comment: In summary, the available evidence is currently insufficient to determine the role of this variant in disease. Therefore, it has been classified as a Variant of Uncertain Significance. Algorithms developed to predict the effect of sequence changes on RNA splicing suggest that this variant may create or strengthen a splice site, but this prediction has not been confirmed by published transcriptional studies. This variant has been observed in individual(s) with clinical features of Marfan syndrome (Invitae). This variant is not present in population databases (ExAC no frequency). This sequence change affects codon 1644 of the FBN1 mRNA. It is a 'silent' change, meaning that it does not change the encoded amino acid sequence of the FBN1 protein.